The following is an entry in ClinVar:

ClinVar aggregate classification (germline): Likely benign (1 of 4 stars; one submission).

Submission:

CeGaT Center for Human Genetics Tuebingen
Classification: Likely benign. Last evaluated: 2025-05-01. Review status: criteria provided, single submitter. Criteria: CeGaT Center For Human Genetics Tuebingen Variant Classification Criteria Version 2. Collection method: clinical testing. Allele origin: germline. Affected: yes. Observed: 1 variant allele.
Comment: ANK1: PM2:Supporting, BP4, BP7

NM_000037.4(ANK1):c.2004A>G (p.Gly668=)

Gene: ANK1 (ankyrin 1; minus strand). Cytogenetic location: 8p11.21.
Variant type: single nucleotide variant.
Coding change: c.2004A>G on transcript NM_000037.4 (MANE Select); coding-DNA position 2004, A replaced by G.
Protein change: p.Gly668=; no amino-acid change (glycine 668 retained).
Molecular consequence: synonymous variant.
Genome position (GRCh38, 1-based): chr8:41,706,236, T>C on the plus strand (A>G on the coding strand, the complement: ANK1 is on the minus strand). VCF-style: chr8-41706236-T-C. GRCh37 (hg19) VCF-style: chr8-41563754-T-C.
Other names: c.2103A>G, p.Gly701= (NM_001142446.2); c.2004A>G, p.Gly668= (NM_020475.3, NM_020476.3, NM_020477.3).
Identifiers: ClinVar variation 3905610 (VCV003905610.10).